The following is an entry in ClinVar:

ClinVar aggregate classification (germline): Uncertain significance (1 of 4 stars; one submission).

Submission:

GeneDx
Classification: Uncertain significance. Last evaluated: 2026-03-20. Review status: criteria provided, single submitter. Criteria: GeneDx Variant Classification Process June 2021. Collection method: clinical testing. Allele origin: germline.
Comment: Not observed at significant frequency in large population cohorts (gnomAD); In silico analysis suggests that this missense variant does not alter protein structure/function; Has not been previously published as pathogenic or benign to our knowledge.

NM_005045.4(RELN):c.9785G>C (p.Ser3262Thr)

Genes: RELN (reelin; minus strand), SLC26A5-AS1 (SLC26A5 antisense RNA 1; plus strand). Cytogenetic location: 7q22.1.
Variant type: single nucleotide variant.
Coding change: c.9785G>C on transcript NM_005045.4 (MANE Select); coding-DNA position 9785, G replaced by C.
Protein change: p.Ser3262Thr; replaces serine 3262 with threonine.
Molecular consequence: missense variant.
Genome position (GRCh38, 1-based): chr7:103,486,395, C>G on the plus strand (G>C on the coding strand, the complement: RELN is on the minus strand). VCF-style: chr7-103486395-C-G. GRCh37 (hg19) VCF-style: chr7-103126842-C-G.
Other names: c.9785G>C, p.Ser3262Thr (NM_173054.3); short protein forms S3262T.
Identifiers: ClinVar variation 5009255 (VCV005009255.1).